The following is an entry in ClinVar:

ClinVar aggregate classification (germline): Uncertain significance (1 of 4 stars; one submission).

Conditions:
Cardiovascular phenotype. Identifiers: MedGen CN230736.

Submission:

Ambry Genetics
Classification: Uncertain significance for Cardiovascular phenotype. Last evaluated: 2025-10-23. Review status: criteria provided, single submitter. Criteria: Ambry Variant Classification Scheme 2023. Collection method: clinical testing. Allele origin: germline.
Comment: The p.G3909R variant (also known as c.11725G>C), located in coding exon 2 of the ZNF469 gene, results from a G to C substitution at nucleotide position 11725. The glycine at codon 3909 is replaced by arginine, an amino acid with dissimilar properties. This amino acid position is conserved. In addition, this alteration is predicted to be tolerated by in silico analysis. Based on the available evidence, the clinical significance of this variant remains unclear.

NM_001127464.1:c.11725G>C

Gene: ZNF469 (zinc finger protein 469; plus strand).
Variant type: single nucleotide variant.
Identifiers: ClinVar variation 4615462 (VCV004615462.1).